The following is an entry in ClinVar:

ClinVar aggregate classification (germline): Pathogenic/Likely pathogenic. Review status: criteria provided, multiple submitters, no conflicts (2 of 4 stars). 2 submissions from 2 submitters: Pathogenic (1); Likely pathogenic (1). Last evaluated 2023-05-17.

Conditions:
Mulibrey nanism syndrome. Also called: MUSCLE-LIVER-BRAIN-EYE NANISM; PERHEENTUPA SYNDROME; PERICARDIAL CONSTRICTION AND GROWTH FAILURE. Identifiers: Orphanet 2576, MedGen C0524582, MONDO:0009664, OMIM 253250.

Allele frequency attached by ClinVar (database versions not stated): gnomAD exomes 0.00001; gnomAD 0.00002; TOPMed 0.00002.
gnomAD v4.1: 15 of 1,611,624 alleles (0.00093%); highest among the groups gnomAD compares: Non-Finnish European, 0.0013%; no homozygotes.

Submissions (2):

Labcorp Genetics (formerly Invitae), Labcorp
Classification: Pathogenic. Last evaluated: 2023-05-17. Review status: criteria provided, single submitter. Criteria: Invitae Variant Classification Sherloc (09022015). Collection method: clinical testing. Allele origin: germline.
Comment: For these reasons, this variant has been classified as Pathogenic. This variant has not been reported in the literature in individuals affected with TRIM37-related conditions. This variant is present in population databases (no rsID available, gnomAD 0.002%). This sequence change creates a premature translational stop signal (p.Gln431*) in the TRIM37 gene. It is expected to result in an absent or disrupted protein product. Loss-of-function variants in TRIM37 are known to be pathogenic (PMID: 10888877, 15108285).

Baylor Genetics
Classification: Likely pathogenic for Mulibrey nanism syndrome. Last evaluated: 2023-02-20. Review status: criteria provided, single submitter. Criteria: ACMG Guidelines, 2015. Collection method: clinical testing. Allele origin: unknown.

Literature cited by the submitters: PubMed 10888877 (cited by Labcorp Genetics (formerly Invitae), Labcorp); PubMed 15108285 (cited by Labcorp Genetics (formerly Invitae), Labcorp).

NM_015294.6(TRIM37):c.1291C>T (p.Gln431Ter)

Gene: TRIM37 (tripartite motif containing 37; minus strand). Cytogenetic location: 17q22.
Variant type: single nucleotide variant.
Coding change: c.1291C>T on transcript NM_015294.6 (MANE Select); coding-DNA position 1291, C replaced by T.
Protein change: p.Gln431Ter; replaces glutamine 431 with a stop codon.
Molecular consequence: nonsense. On other transcripts: non-coding transcript variant (2).
Genome position (GRCh38, 1-based): chr17:59,051,237, G>A on the plus strand (C>T on the coding strand, the complement: TRIM37 is on the minus strand). VCF-style: chr17-59051237-G-A. GRCh37 (hg19) VCF-style: chr17-57128598-G-A.
Other names: c.1291C>T, p.Gln431Ter (NM_001005207.5, NM_001320988.3, NM_001320989.3 and 1 more transcripts); c.1189C>T, p.Gln397Ter (NM_001320987.3, NM_001353082.2); c.925C>T, p.Gln309Ter (NM_001320990.3); c.556C>T, p.Gln186Ter (NM_001353083.2); c.829C>T, p.Gln277Ter (NM_001353085.2); c.1240C>T, p.Gln414Ter (NM_001353086.2); short protein forms Q186*, Q277*, Q309*, Q397*, Q414*, Q431*.
Identifiers: ClinVar variation 2679261 (VCV002679261.4), dbSNP rs1326330706, ClinGen allele CA400401757.